The following is an entry in ClinVar:

NM_000179.3(MSH6):c.1348G>T (p.Val450Leu)

Gene: MSH6 (mutS homolog 6; plus strand). Cytogenetic location: 2p16.3.
Variant type: single nucleotide variant.
Coding change: c.1348G>T on transcript NM_000179.3 (MANE Select); coding-DNA position 1348, G replaced by T.
Protein change: p.Val450Leu; replaces valine 450 with leucine.
Molecular consequence: missense variant.
Genome position (GRCh38, 1-based): chr2:47,799,331, G>T. VCF-style: chr2-47799331-G-T. GRCh37 (hg19) VCF-style: chr2-48026470-G-T.
Other names: c.958G>T, p.Val320Leu (NM_001281492.2); c.442G>T, p.Val148Leu (NM_001281493.2, NM_001281494.2); short protein forms V450L, V148L, V320L.
Identifiers: ClinVar variation 525773 (VCV000525773.9), dbSNP rs878993430, ClinGen allele CA346744637.

ClinVar aggregate classification (germline): Uncertain significance (1 of 4 stars; one submission).

Conditions:
Hereditary nonpolyposis colorectal neoplasms. Identifiers: MedGen C0009405, MeSH D003123.

Submission:

Labcorp Genetics (formerly Invitae), Labcorp
Classification: Uncertain significance for Hereditary nonpolyposis colorectal neoplasms. Last evaluated: 2017-08-30. Review status: criteria provided, single submitter. Criteria: Invitae Variant Classification Sherloc (09022015). Collection method: clinical testing. Allele origin: germline.
Comment: In summary, the available evidence is currently insufficient to determine the role of this variant in disease. Therefore, it has been classified as a Variant of Uncertain Significance. Algorithms developed to predict the effect of missense changes on protein structure and function (SIFT, PolyPhen-2, Align-GVGD) all suggest that this variant is likely to be tolerated, but these predictions have not been confirmed by published functional studies and their clinical significance is uncertain. This variant has not been reported in the literature in individuals with MSH6-related disease. This variant is not present in population databases (ExAC no frequency). This sequence change replaces valine with leucine at codon 450 of the MSH6 protein (p.Val450Leu). The valine residue is weakly conserved and there is a small physicochemical difference between valine and leucine.